The following is an entry in ClinVar:

ClinVar aggregate classification (germline): Conflicting classifications of pathogenicity. Review status: criteria provided, conflicting classifications (1 of 4 stars). 3 submissions from 3 submitters: Uncertain significance (2); Benign (1). Last evaluated 2025-11-18.

Conditions:
Hereditary cancer-predisposing syndrome. Also called: Hereditary Cancer Syndrome; Hereditary neoplastic syndrome; Tumor predisposition; Neoplastic Syndromes, Hereditary. Identifiers: Orphanet 140162, MedGen C0027672, MeSH D009386, MONDO:0015356.
Fanconi anemia complementation group O. Also called: RAD51C-Related Fanconi Anemia. Identifiers: Orphanet 84, MedGen C3150653, MONDO:0013248, OMIM 613390.

Allele frequency attached by ClinVar (database versions not stated): gnomAD exomes 0.00001 and 0.00003; ExAC 0.00004.
gnomAD v4.1: 10 of 1,611,884 alleles (0.00062%); highest among the groups gnomAD compares: South Asian, 0.011%; no homozygotes.

Submissions (3):

Labcorp Genetics (formerly Invitae), Labcorp
Classification: Uncertain significance for Fanconi anemia complementation group O. Last evaluated: 2025-11-18. Review status: criteria provided, single submitter. Criteria: Invitae Variant Classification Sherloc (09022015). Collection method: clinical testing. Allele origin: germline.
Comment: This sequence change replaces glutamic acid, which is acidic and polar, with alanine, which is neutral and non-polar, at codon 373 of the RAD51C protein (p.Glu373Ala). This variant is present in population databases (rs758223998, gnomAD 0.02%). This variant has not been reported in the literature in individuals affected with RAD51C-related conditions. ClinVar contains an entry for this variant (Variation ID: 439293). An algorithm developed to predict the effect of missense changes on protein structure and function (PolyPhen-2) suggests that this variant is likely to be tolerated. In summary, the available evidence is currently insufficient to determine the role of this variant in disease. Therefore, it has been classified as a Variant of Uncertain Significance.

Ambry Genetics
Classification: Benign for Hereditary cancer-predisposing syndrome. Last evaluated: 2025-10-09. Review status: criteria provided, single submitter. Criteria: Ambry Variant Classification Scheme 2023. Collection method: clinical testing. Allele origin: germline.

Quest Diagnostics Nichols Institute San Juan Capistrano
Classification: Uncertain significance. Last evaluated: 2017-07-03. Review status: criteria provided, single submitter. Criteria: Quest Diagnostics criteria. Collection method: clinical testing. Allele origin: germline.

NM_058216.3(RAD51C):c.1118A>C (p.Glu373Ala)

Gene: RAD51C (RAD51 paralog C; plus strand). Cytogenetic location: 17q22.
Variant type: single nucleotide variant.
Coding change: c.1118A>C on transcript NM_058216.3 (MANE Select); coding-DNA position 1118, A replaced by C.
Protein change: p.Glu373Ala; replaces glutamic acid 373 with alanine.
Molecular consequence: missense variant. On other transcripts: non-coding transcript variant (1).
Genome position (GRCh38, 1-based): chr17:58,734,209, A>C. VCF-style: chr17-58734209-A-C. GRCh37 (hg19) VCF-style: chr17-56811570-A-C.
Other names: short protein forms E373A.
Identifiers: ClinVar variation 439293 (VCV000439293.17), dbSNP rs758223998, ClinGen allele CA8677415.